The following is an entry in ClinVar:

NM_001429.4(EP300):c.7G>A (p.Glu3Lys)

Gene: EP300 (E1A binding protein p300; plus strand). Cytogenetic location: 22q13.2.
Variant type: single nucleotide variant.
Coding change: c.7G>A on transcript NM_001429.4 (MANE Select); coding-DNA position 7, G replaced by A.
Protein change: p.Glu3Lys; replaces glutamic acid 3 with lysine.
Molecular consequence: missense variant.
Genome position (GRCh38, 1-based): chr22:41,093,011, G>A. VCF-style: chr22-41093011-G-A. GRCh37 (hg19) VCF-style: chr22-41489015-G-A.
Other names: c.7G>A, p.Glu3Lys (NM_001362843.2); short protein forms E3K.
Identifiers: ClinVar variation 931680 (VCV000931680.3), dbSNP rs181951278, ClinGen allele CA324525050.

ClinVar aggregate classification (germline): Uncertain significance (1 of 4 stars; one submission).

Conditions:
Menke-Hennekam syndrome 2 (MKHK2). Identifiers: MedGen C5193035, MONDO:0020769, OMIM 618333.

Allele frequency attached by ClinVar (database versions not stated): gnomAD exomes below 0.00001; 1000 Genomes Project 30x 0.00016; 1000 Genomes Project 0.00020.
gnomAD v4.1: 1 of 1,614,122 alleles (0.000062%); highest among the groups gnomAD compares: Non-Finnish European, 0.000085%; no homozygotes.

Submission:

Centre for Mendelian Genomics, University Medical Centre Ljubljana
Classification: Uncertain significance for Menke-Hennekam syndrome 2. Last evaluated: 2019-10-01. Review status: criteria provided, single submitter. Criteria: ACMG Guidelines, 2015. Collection method: clinical testing. Allele origin: unknown. Affected: yes.
Comment: This variant was classified as: Uncertain significance. The available evidence on this variant's pathogenicity is insufficient or conflicting. The following ACMG criteria were applied in classifying this variant: PM2,PP3,BP1.